The following is an entry in ClinVar:

ClinVar aggregate classification (germline): Likely pathogenic (1 of 4 stars; one submission).

Conditions:
Parathyroid carcinoma (PRTC). Also called: Parathyroid gland carcinoma; CDC73-Related Parathyroid Carcinoma. Identifiers: Orphanet 143, MedGen C0687150, MONDO:0012004, OMIM 608266, HP:0006780.

Submission:

Labcorp Genetics (formerly Invitae), Labcorp
Classification: Likely pathogenic for Parathyroid carcinoma. Last evaluated: 2018-05-04. Review status: criteria provided, single submitter. Criteria: Invitae Variant Classification Sherloc (09022015). Collection method: clinical testing. Allele origin: germline.
Comment: This variant is¬†a copy number gain of¬†the genomic region encompassing exons 11-15 of the CDC73 gene.¬†While the exact position of this variant cannot be determined from this data, sub-genic copy number gains are generally in tandem (PMID: 25640679) and may result in an absent or disrupted protein product. Similar copy number variants¬†have not been reported in the literature in individuals with CDC73-related disease. In summary, the currently available evidence indicates that the variant is pathogenic, but additional data are needed to prove that conclusively. Therefore, this variant has been classified as Likely Pathogenic. Loss-of-function variants in CDC73 are known to be pathogenic (PMID: 12434154).

Literature cited by the submitters: PubMed 25640679; PubMed 12434154.

NC_000001.10:g.(?_193172919)_(193205492_?)dup

Gene: CDC73 (cell division cycle 73; plus strand). Cytogenetic location: 1q31.2.
Variant type: Duplication.
Identifiers: ClinVar variation 1066539 (VCV001066539.3).